The following is an entry in ClinVar:

NM_001369369.1(FOXN1):c.161A>G (p.Asp54Gly)

Gene: FOXN1 (forkhead box N1; plus strand). Cytogenetic location: 17q11.2.
Variant type: single nucleotide variant.
Coding change: c.161A>G on transcript NM_001369369.1 (MANE Select); coding-DNA position 161, A replaced by G.
Protein change: p.Asp54Gly; replaces aspartic acid 54 with glycine.
Molecular consequence: missense variant.
Genome position (GRCh38, 1-based): chr17:28,524,540, A>G. VCF-style: chr17-28524540-A-G. GRCh37 (hg19) VCF-style: chr17-26851558-A-G.
Other names: c.161A>G, p.Asp54Gly (NM_003593.3); short protein forms D54G.
Identifiers: ClinVar variation 953537 (VCV000953537.7), dbSNP rs1174169171, ClinGen allele CA398320579.

ClinVar aggregate classification (germline): Uncertain significance (1 of 4 stars; one submission).

Conditions:
T-cell immunodeficiency, congenital alopecia, and nail dystrophy. Also called: Congenital alopecia and nail dystrophy associated with severe functional T-cell immunodeficiency; Pignata Guarino syndrome. Identifiers: Orphanet 169095, MedGen C1866426, MONDO:0011132, OMIM 601705.

Allele frequency attached by ClinVar (database versions not stated): TOPMed below 0.00001; gnomAD 0.00001.
gnomAD v4.1: 1 of 1,613,428 alleles (0.000062%); highest among the groups gnomAD compares: Non-Finnish European, 0.000085%; no homozygotes.

Submission:

Labcorp Genetics (formerly Invitae), Labcorp
Classification: Uncertain significance for T-cell immunodeficiency, congenital alopecia, and nail dystrophy. Last evaluated: 2025-06-17. Review status: criteria provided, single submitter. Criteria: Invitae Variant Classification Sherloc (09022015). Collection method: clinical testing. Allele origin: germline.
Comment: This sequence change replaces aspartic acid, which is acidic and polar, with glycine, which is neutral and non-polar, at codon 54 of the FOXN1 protein (p.Asp54Gly). This variant is not present in population databases (gnomAD no frequency). This variant has not been reported in the literature in individuals affected with FOXN1-related conditions. ClinVar contains an entry for this variant (Variation ID: 953537). Invitae Evidence Modeling of protein sequence and biophysical properties (such as structural, functional, and spatial information, amino acid conservation, physicochemical variation, residue mobility, and thermodynamic stability) indicates that this missense variant is not expected to disrupt FOXN1 protein function with a negative predictive value of 80%. In summary, the available evidence is currently insufficient to determine the role of this variant in disease. Therefore, it has been classified as a Variant of Uncertain Significance.